The following is an entry in ClinVar:

NM_001040142.2(SCN2A):c.2874G>T (p.Met958Ile)

Gene: SCN2A (sodium voltage-gated channel alpha subunit 2; plus strand). Cytogenetic location: 2q24.3.
Variant type: single nucleotide variant.
Coding change: c.2874G>T on transcript NM_001040142.2 (MANE Select); coding-DNA position 2874, G replaced by T.
Protein change: p.Met958Ile; replaces methionine 958 with isoleucine.
Molecular consequence: missense variant.
Genome position (GRCh38, 1-based): chr2:165,344,866, G>T. VCF-style: chr2-165344866-G-T. GRCh37 (hg19) VCF-style: chr2-166201376-G-T.
Other names: c.2874G>T, p.Met958Ile (NM_001040143.2, NM_001371246.1, NM_001371247.1 and 1 more transcripts); short protein forms M958I.
Identifiers: ClinVar variation 2028629 (VCV002028629.4), dbSNP rs1559377161, ClinGen allele CA349016303.
Genomic context (GRCh38, chr2:165,344,866, plus strand): 5'-GCTGTGTGGAGAGTGGATAGAGACCATGTGGGACTGTATGGAGGTCGCTGGCCAAACCAT[G>T]TGCCTTACTGTCTTCATGATGGTCATGGTGATTGGAAATCTAGTGGTATGTAGCAAAAAC-3'
Protein context (NP_001035232.1, residues 948-968): WDCMEVAGQT[Met958Ile]CLTVFMMVMV

ClinVar aggregate classification (germline): Uncertain significance (1 of 4 stars; one submission).

Conditions:
Seizures, benign familial infantile, 3 (BFIS3). Also called: CONVULSIONS, BENIGN FAMILIAL INFANTILE, 3; Familial neonatal seizures. Identifiers: Orphanet 140927, Orphanet 306, MedGen C1843140, MONDO:0011904, OMIM 607745.
Developmental and epileptic encephalopathy, 11 (DEE11). Also called: Early infantile epileptic encephalopathy 11. Identifiers: Orphanet 1934, MedGen C3150987, MONDO:0013388, OMIM 613721.

Submission:

Labcorp Genetics (formerly Invitae), Labcorp
Classification: Uncertain significance for Seizures, benign familial infantile, 3; Developmental and epileptic encephalopathy, 11. Last evaluated: 2022-09-02. Review status: criteria provided, single submitter. Criteria: Invitae Variant Classification Sherloc (09022015). Collection method: clinical testing. Allele origin: germline.
Comment: Algorithms developed to predict the effect of missense changes on protein structure and function are either unavailable or do not agree on the potential impact of this missense change (SIFT: "Deleterious"; PolyPhen-2: "Benign"; Align-GVGD: "Class C0"). In summary, the available evidence is currently insufficient to determine the role of this variant in disease. Therefore, it has been classified as a Variant of Uncertain Significance. This variant disrupts the p.Met958 amino acid residue in SCN2A. Other variant(s) that disrupt this residue have been determined to be pathogenic (PMID: 29215089; Invitae). This suggests that this residue is clinically significant, and that variants that disrupt this residue are likely to be disease-causing. This variant has not been reported in the literature in individuals affected with SCN2A-related conditions. This variant is not present in population databases (gnomAD no frequency). This sequence change replaces methionine, which is neutral and non-polar, with isoleucine, which is neutral and non-polar, at codon 958 of the SCN2A protein (p.Met958Ile).

Literature cited by the submitters: PubMed 29215089.